The following is an entry in ClinVar:

ClinVar aggregate classification (germline): Conflicting classifications of pathogenicity. Review status: criteria provided, conflicting classifications (1 of 4 stars). 19 submissions from 18 submitters: Uncertain significance (1); Benign (7); Likely benign (8). 3 of the submissions do not count toward it. Last evaluated 2026-01-31.

Conditions:
Hereditary cancer-predisposing syndrome. Also called: Tumor predisposition; Neoplastic Syndromes, Hereditary; Hereditary Cancer Syndrome; Hereditary neoplastic syndrome. Identifiers: Orphanet 140162, MedGen C0027672, MeSH D009386, MONDO:0015356.
Isolated focal cortical dysplasia type II (FCORD2). Also called: Focal cortical dysplasia type II; CORTICAL DYSPLASIA OF TAYLOR. Identifiers: Orphanet 268994, MedGen C1846385, MONDO:0011818, OMIM 607341, HP:0032051.
Tuberous sclerosis syndrome (TSC). Also called: Tuberous Sclerosis Complex; Tuberous sclerosis. Identifiers: Orphanet 805, MedGen C0041341, MONDO:0001734.
Tuberous sclerosis 1 (TSC1). Identifiers: Orphanet 805, MedGen C1854465, MONDO:0008612, OMIM 191100.
Primitive neuroectodermal tumor. Identifiers: MedGen C0206663, MONDO:0005462, HP:0030065.

Allele frequency attached by ClinVar (database versions not stated): ESP Exome Variant Server 0.00015; 1000 Genomes Project 30x 0.00016; gnomAD 0.00019 and 0.00027; 1000 Genomes Project 0.00020; gnomAD exomes 0.00021 and 0.00045; TOPMed 0.00026; ExAC 0.00045.
gnomAD v4.1: 366 of 1,613,372 alleles (0.023%); highest among the groups gnomAD compares: East Asian, 0.16%; 2 homozygotes.

Submissions (19):

Labcorp Genetics (formerly Invitae), Labcorp
Classification: Benign for Tuberous sclerosis 1. Last evaluated: 2026-01-31. Review status: criteria provided, single submitter. Criteria: Invitae Variant Classification Sherloc (09022015). Collection method: clinical testing. Allele origin: germline.

CeGaT Center for Human Genetics Tuebingen
Classification: Likely benign. Last evaluated: 2025-09-01. Review status: criteria provided, single submitter. Criteria: CeGaT Center For Human Genetics Tuebingen Variant Classification Criteria Version 2. Collection method: clinical testing. Allele origin: germline. Affected: yes. Observed: 12 variant alleles.
Comment: TSC1: PP2, BS1

Myriad Genetics, Inc.
Classification: Benign for Tuberous sclerosis 1. Last evaluated: 2025-02-18. Review status: criteria provided, single submitter. Criteria: Myriad Autosomal Dominant, Autosomal Recessive and X-Linked Classification Criteria (2023). Collection method: clinical testing. Allele origin: unknown.
Comment: This variant is considered benign. This variant has been observed at a population frequency that is significantly greater than expected given the associated disease prevalence and penetrance. Homozygosity has been confirmed in one or more individuals. As homozygosity for pathogenic variants in this gene is generally assumed to result in embryonic lethality, this variant is unlikely to be pathogenic.

Blueprint Genetics
Classification: Likely benign. Last evaluated: 2024-09-13. Review status: criteria provided, single submitter. Criteria: ACMG Guidelines, 2015. Collection method: clinical testing. Allele origin: germline.

Department of Pathology and Laboratory Medicine, Sinai Health System
Classification: Benign for Tuberous sclerosis 1. Last evaluated: 2024-07-03. Review status: criteria provided, single submitter. Criteria: ACMG Guidelines, 2015. Collection method: clinical testing. Allele origin: germline. Affected: yes.

Color Diagnostics, LLC DBA Color Health
Classification: Benign for Tuberous sclerosis syndrome. Last evaluated: 2022-08-31. Review status: criteria provided, single submitter. Criteria: ACMG Guidelines, 2015. Collection method: clinical testing. Allele origin: germline.

Women's Health and Genetics/Laboratory Corporation of America, LabCorp
Classification: Likely benign. Last evaluated: 2021-12-06. Review status: criteria provided, single submitter. Criteria: LabCorp Variant Classification Summary - May 2015. Collection method: clinical testing. Allele origin: germline.

Genome-Nilou Lab
Classification: Benign for Tuberous sclerosis 1. Last evaluated: 2021-11-07. Review status: criteria provided, single submitter. Criteria: ACMG Guidelines, 2015. Collection method: clinical testing. Allele origin: germline. Affected: no.

Sema4
Classification: Likely benign for Hereditary cancer-predisposing syndrome. Last evaluated: 2020-10-27. Review status: criteria provided, single submitter. Criteria: Sema4 Curation Guidelines. Collection method: curation. Allele origin: germline.

GeneDx
Classification: Benign. Last evaluated: 2019-04-18. Review status: criteria provided, single submitter. Criteria: GeneDx Variant Classification Process June 2021. Collection method: clinical testing. Allele origin: germline. Affected: yes.
Comment: This variant is associated with the following publications: (PMID: 21309039, 27153395, 16554133, 23514105, 22703879, 31054281)

Ambry Genetics
Classification: Likely benign for Hereditary cancer-predisposing syndrome. Last evaluated: 2018-08-08. Review status: criteria provided, single submitter. Criteria: Ambry Variant Classification Scheme 2023. Collection method: clinical testing. Allele origin: germline.

Illumina Laboratory Services, Illumina
Classification: Likely benign for Tuberous sclerosis 1. Last evaluated: 2017-04-27. Review status: criteria provided, single submitter. Criteria: ICSL Variant Classification Criteria 13 December 2019. Collection method: clinical testing. Allele origin: germline.
Comment: This variant was observed as part of a predisposition screen in an ostensibly healthy population. A literature search was performed for the gene, cDNA change, and amino acid change (where applicable). Publications were found based on this search. The evidence from the literature, in combination with allele frequency data from public databases where available, was sufficient to determine this variant is unlikely to cause disease. Therefore, this variant is classified as likely benign.

Illumina Laboratory Services, Illumina
Classification: Likely benign for Isolated focal cortical dysplasia type II. Last evaluated: 2017-04-27. Review status: criteria provided, single submitter. Criteria: ICSL Variant Classification Criteria 13 December 2019. Collection method: clinical testing. Allele origin: germline.
Comment: the same text as in the submission from Illumina Laboratory Services, Illumina above.

Eurofins Ntd Llc (ga)
Classification: Likely benign. Last evaluated: 2016-06-16. Review status: criteria provided, single submitter. Criteria: EGL Classification Definitions 2015. Collection method: clinical testing. Allele origin: germline. Observed: 1 variant allele, 1 heterozygote.

Quest Diagnostics Nichols Institute San Juan Capistrano
Classification: Benign. Last evaluated: 2016-06-09. Review status: criteria provided, single submitter. Criteria: Quest Diagnostics criteria. Collection method: clinical testing. Allele origin: unknown.

St. Jude Molecular Pathology, St. Jude Children's Research Hospital
Classification: Uncertain significance for Primitive neuroectodermal tumor. Last evaluated: 2016-03-21. Review status: criteria provided, single submitter. Criteria: ACMG Guidelines, 2015. Collection method: clinical testing. Allele origin: germline. Affected: yes.

University of Washington Department of Laboratory Medicine, University of Washington
Classification: Likely benign for Tuberous sclerosis 1. Last evaluated: 2019-10-29. Review status: no assertion criteria provided. Collection method: clinical testing. Allele origin: unknown. Not counted in ClinVar's aggregate classification.
Comment: This variant is present in approximately 1/280 individuals in an unaffected control population of East Asian ancestry (gnomAD). This variant has been reported in one individual with Tuberous Sclerosis (TSC1) (Choi et al., 2006). However, it was considered to be likely neutral by functional studies (Hoogeveen_Westerveld et al., 2011). Furthermore, this variant was identified as an incidental finding in one individual in a series of 566 individuals undergoing exome sequencing (Johnston et al., 2012). This variant is listed in ClinVar (Variation ID: 41690). Additionally, the patient's clinical features do not match a TSC phenotype.

Biesecker Lab/Clinical Genomics Section, National Institutes of Health
Classification: Uncertain significance. Last evaluated: 2012-07-13. Review status: no assertion criteria provided. Collection method: research. Allele origin: germline. Affected: no. Observed: 1 variant allele. Study: ClinSeq. Not counted in ClinVar's aggregate classification.
ClinVar note: Converted during submission from variant of unknown significance to Uncertain significance.

Tuberous sclerosis database (TSC1)
No classification provided. Condition: TSC. Review status: no classification provided. Criteria: Tuberous Sclerosis Database Assertion Criteria 2015. Collection method: curation. Allele origin: germline. Affected: yes. Not counted in ClinVar's aggregate classification.

Literature cited by the submitters: PubMed 16554133 (cited by 6 submitters); PubMed 21309039 (cited by Ambry Genetics and Quest Diagnostics Nichols Institute San Juan Capistrano); PubMed 25077650 (cited by Ambry Genetics); PubMed 27153395 (cited by Ambry Genetics and Quest Diagnostics Nichols Institute San Juan Capistrano); PubMed 23514105 (cited by Quest Diagnostics Nichols Institute San Juan Capistrano); PubMed 25722345 (cited by Quest Diagnostics Nichols Institute San Juan Capistrano); PubMed 25498131 (cited by Quest Diagnostics Nichols Institute San Juan Capistrano); PubMed 31054281 (cited by Quest Diagnostics Nichols Institute San Juan Capistrano); PubMed 30076350 (cited by Quest Diagnostics Nichols Institute San Juan Capistrano).

NM_000368.5(TSC1):c.1460C>G (p.Ser487Cys)

Gene: TSC1 (TSC complex subunit 1; minus strand). Cytogenetic location: 9q34.13.
Variant type: single nucleotide variant.
Coding change: c.1460C>G on transcript NM_000368.5 (MANE Select); coding-DNA position 1460, C replaced by G.
Protein change: p.Ser487Cys; replaces serine 487 with cysteine.
Molecular consequence: missense variant.
Genome position (GRCh38, 1-based): chr9:132,906,118, G>C on the plus strand (C>G on the coding strand, the complement: TSC1 is on the minus strand). VCF-style: chr9-132906118-G-C. GRCh37 (hg19) VCF-style: chr9-135781505-G-C.
Other names: p.S487C:TCT>TGT; c.1457C>G, p.Ser486Cys (NM_001162426.2); c.1307C>G, p.Ser436Cys (NM_001162427.2); c.1097C>G, p.Ser366Cys (NM_001362177.2); short protein forms S487C, S486C, S436C, S366C.
Identifiers: ClinVar variation 41690 (VCV000041690.69), dbSNP rs118203532, ClinGen allele CA004868.